The following is an entry in ClinVar:

NM_000388.4(CASR):c.1054del (p.Trp352fs)

Gene: CASR (calcium sensing receptor; plus strand). Cytogenetic location: 3q21.1.
Variant type: Deletion.
Coding change: c.1054del on transcript NM_000388.4 (MANE Select); coding-DNA position 1054, one base deleted (T; older notation c.1054delT).
Protein change: p.Trp352fs; shifts the reading frame from tryptophan 352.
Molecular consequence: frameshift variant.
Genome position (GRCh38, 1-based): chr3:122,262,089, T deleted; the last of 4 consecutive T bases (chr3:122,262,086-122,262,089); deleting any one gives the same sequence. VCF-style (leftmost placement, unchanged base first): chr3-122262085-GT-G. GRCh37 (hg19) VCF-style: chr3-121980932-GT-G.
Other names: c.1054del, p.Trp352fs (NM_001178065.2); short protein forms W352fs.
Identifiers: ClinVar variation 1074918 (VCV001074918.7), dbSNP rs2107632814, ClinGen allele CA2499216411.
Genomic context (GRCh38, chr3:122,262,085, plus strand): 5'-CCGGGAATTCCTGAAGAAGGTCCATCCCAGGAAGTCTGTCCACAATGGTTTTGCCAAGGA[GT>G]TTTGGGAAGAAACATTTAACTGCCACCTCCAAGAAGGTGCAAAAGGACCTTTACCTGTGG-3'

ClinVar aggregate classification (germline): Pathogenic (1 of 4 stars; one submission).

Conditions:
Familial hypocalciuric hypercalcemia (FHH). Also called: Familial benign hypercalcemia. Identifiers: Orphanet 405, MedGen C1809471, MONDO:0018458.
Autosomal dominant hypocalcemia 1 (HYPOC1). Also called: HYPOCALCEMIA, FAMILIAL. Identifiers: MedGen C3715128, MONDO:0011013, OMIM 601198.

Submission:

Labcorp Genetics (formerly Invitae), Labcorp
Classification: Pathogenic for Familial hypocalciuric hypercalcemia; Autosomal dominant hypocalcemia 1. Last evaluated: 2020-10-27. Review status: criteria provided, single submitter. Criteria: Invitae Variant Classification Sherloc (09022015). Collection method: clinical testing. Allele origin: germline.
Comment: This variant has not been reported in the literature in individuals with CASR-related conditions. For these reasons, this variant has been classified as Pathogenic. This variant is not present in population databases (ExAC no frequency). This sequence change creates a premature translational stop signal (p.Trp352Glyfs*23) in the CASR gene. It is expected to result in an absent or disrupted protein product. Loss-of-function variants in CASR are known to be pathogenic (PMID: 22422767).

Literature cited by the submitters: PubMed 22422767.